The following is an entry in ClinVar:

NM_000228.3(LAMB3):c.282G>A (p.Trp94Ter)

Gene: LAMB3 (laminin subunit beta 3; minus strand). Cytogenetic location: 1q32.2.
Variant type: single nucleotide variant.
Coding change: c.282G>A on transcript NM_000228.3 (MANE Select); coding-DNA position 282, G replaced by A.
Protein change: p.Trp94Ter; replaces tryptophan 94 with a stop codon.
Molecular consequence: nonsense.
Genome position (GRCh38, 1-based): chr1:209,638,550, C>T on the plus strand (G>A on the coding strand, the complement: LAMB3 is on the minus strand). VCF-style: chr1-209638550-C-T. GRCh37 (hg19) VCF-style: chr1-209811895-C-T.
Other names: c.282G>A, p.Trp94Ter (NM_001017402.2, NM_001127641.1); short protein forms W94*.
Identifiers: ClinVar variation 1410657 (VCV001410657.6), dbSNP rs748099677, ClinGen allele CA1376049.

ClinVar aggregate classification (germline): Pathogenic (1 of 4 stars; one submission).

Allele frequency attached by ClinVar (database versions not stated): gnomAD exomes below 0.00001 and 0.00001; TOPMed below 0.00001; ExAC 0.00001.
gnomAD v4.1: 4 of 1,611,566 alleles (0.00025%); highest among the groups gnomAD compares: Non-Finnish European, 0.00025%; no homozygotes.

Submission:

Labcorp Genetics (formerly Invitae), Labcorp
Classification: Pathogenic. Last evaluated: 2026-01-11. Review status: criteria provided, single submitter. Criteria: Invitae Variant Classification Sherloc (09022015). Collection method: clinical testing. Allele origin: germline.
Comment: This sequence change creates a premature translational stop signal (p.Trp94*) in the LAMB3 gene. It is expected to result in an absent or disrupted protein product. Loss-of-function variants in LAMB3 are known to be pathogenic (PMID: 11023379, 16473856). This variant is present in population databases (rs748099677, gnomAD 0.0009%). This variant has not been reported in the literature in individuals affected with LAMB3-related conditions. ClinVar contains an entry for this variant (Variation ID: 1410657). For these reasons, this variant has been classified as Pathogenic.

Literature cited by the submitters: PubMed 11023379; PubMed 16473856.